The following is an entry in ClinVar:

ClinVar aggregate classification (germline): Uncertain significance. Review status: criteria provided, multiple submitters, no conflicts (2 of 4 stars). 2 submissions from 2 submitters: Uncertain significance (2). Last evaluated 2025-10-31.

Conditions:
Bloom syndrome (BLM). Also called: Bloom-Torre-Machacek syndrome. Identifiers: Orphanet 125, MedGen C0005859, MONDO:0008876, OMIM 210900.

Submissions (2):

Labcorp Genetics (formerly Invitae), Labcorp
Classification: Uncertain significance for Bloom syndrome. Last evaluated: 2025-10-31. Review status: criteria provided, single submitter. Criteria: Invitae Variant Classification Sherloc (09022015). Collection method: clinical testing. Allele origin: germline.
Comment: This sequence change replaces methionine, which is neutral and non-polar, with threonine, which is neutral and polar, at codon 1399 of the BLM protein (p.Met1399Thr). This variant is not present in population databases (gnomAD no frequency). This variant has not been reported in the literature in individuals affected with BLM-related conditions. ClinVar contains an entry for this variant (Variation ID: 584899). An algorithm developed to predict the effect of missense changes on protein structure and function (PolyPhen-2) suggests that this variant is likely to be disruptive. In summary, the available evidence is currently insufficient to determine the role of this variant in disease. Therefore, it has been classified as a Variant of Uncertain Significance.

Mendelics
Classification: Uncertain significance for Bloom syndrome. Last evaluated: 2018-07-02. Review status: criteria provided, single submitter. Criteria: Mendelics Assertion Criteria 2017. Collection method: clinical testing. Allele origin: unknown.

NM_000057.4(BLM):c.4196T>C (p.Met1399Thr)

Gene: BLM (BLM RecQ like helicase; plus strand). Cytogenetic location: 15q26.1.
Variant type: single nucleotide variant.
Coding change: c.4196T>C on transcript NM_000057.4 (MANE Select); coding-DNA position 4196, T replaced by C.
Protein change: p.Met1399Thr; replaces methionine 1399 with threonine.
Molecular consequence: missense variant.
Genome position (GRCh38, 1-based): chr15:90,815,221, T>C. VCF-style: chr15-90815221-T-C. GRCh37 (hg19) VCF-style: chr15-91358451-T-C.
Other names: c.4196T>C, p.Met1399Thr (NM_001287246.2); c.3803T>C, p.Met1268Thr (NM_001287247.2); c.3071T>C, p.Met1024Thr (NM_001287248.2); short protein forms M1399T, M1024T, M1268T.
Identifiers: ClinVar variation 584899 (VCV000584899.3), dbSNP rs1567069030, ClinGen allele CA393852612.